The following is an entry in ClinVar:

NM_001292063.2(OTOG):c.7811G>C (p.Arg2604Pro)

Gene: OTOG (otogelin; plus strand). Cytogenetic location: 11p15.1.
Variant type: single nucleotide variant.
Coding change: c.7811G>C on transcript NM_001292063.2 (MANE Select); coding-DNA position 7811, G replaced by C.
Protein change: p.Arg2604Pro; replaces arginine 2604 with proline.
Molecular consequence: missense variant.
Genome position (GRCh38, 1-based): chr11:17,638,466, G>C. VCF-style: chr11-17638466-G-C. GRCh37 (hg19) VCF-style: chr11-17660013-G-C.
Other names: c.7847G>C, p.Arg2616Pro (NM_001277269.2); short protein forms R2604P, R2616P.
Identifiers: ClinVar variation 4704395 (VCV004704395.1).

ClinVar aggregate classification (germline): Uncertain significance (1 of 4 stars; one submission).

Submission:

Labcorp Genetics (formerly Invitae), Labcorp
Classification: Uncertain significance. Last evaluated: 2025-06-20. Review status: criteria provided, single submitter. Criteria: Invitae Variant Classification Sherloc (09022015). Collection method: clinical testing. Allele origin: germline.
Comment: This sequence change replaces arginine, which is basic and polar, with proline, which is neutral and non-polar, at codon 2616 of the OTOG protein (p.Arg2616Pro). This variant is not present in population databases (gnomAD no frequency). This variant has not been reported in the literature in individuals affected with OTOG-related conditions. An algorithm developed to predict the effect of missense changes on protein structure and function (PolyPhen-2) suggests that this variant is likely to be disruptive. In summary, the available evidence is currently insufficient to determine the role of this variant in disease. Therefore, it has been classified as a Variant of Uncertain Significance.